The following is an entry in ClinVar:

ClinVar aggregate classification (germline): Pathogenic (1 of 4 stars; one submission).

Conditions:
Duchenne muscular dystrophy (DMD). Also called: MUSCULAR DYSTROPHY, PSEUDOHYPERTROPHIC PROGRESSIVE, DUCHENNE TYPE; Duchenne Muscular Dystrophy (DMD). Identifiers: Orphanet 98896, MedGen C0013264, MONDO:0010679, OMIM 310200.

Submission:

Labcorp Genetics (formerly Invitae), Labcorp
Classification: Pathogenic for Duchenne muscular dystrophy. Last evaluated: 2021-04-23. Review status: criteria provided, single submitter. Criteria: Invitae Variant Classification Sherloc (09022015). Collection method: clinical testing. Allele origin: germline.
Comment: For these reasons, this variant has been classified as Pathogenic. Algorithms developed to predict the effect of sequence changes on RNA splicing suggest that this variant may create or strengthen a splice site, but this prediction has not been confirmed by published transcriptional studies. This variant has not been reported in the literature in individuals with DMD-related conditions. This variant is not present in population databases (ExAC no frequency). This sequence change creates a premature translational stop signal (p.Thr1823Asnfs*19) in the DMD gene. It is expected to result in an absent or disrupted protein product. Loss-of-function variants in DMD are known to be pathogenic (PMID: 16770791, 25007885).

Literature cited by the submitters: PubMed 16770791; PubMed 25007885.

NM_004006.3(DMD):c.5467dup (p.Thr1823fs)

Gene: DMD (dystrophin; minus strand). Cytogenetic location: Xp21.1.
Variant type: Duplication.
Coding change: c.5467dup on transcript NM_004006.3 (MANE Select); coding-DNA position 5467, one base duplicated (A; older notation c.5467dupA).
Protein change: p.Thr1823fs; shifts the reading frame from threonine 1823.
Molecular consequence: frameshift variant.
Genome position (GRCh38, 1-based): chrX:32,346,062, T duplicated on the plus strand (A on the coding strand, the reverse complement: DMD is on the minus strand). VCF-style (leftmost placement, unchanged base first): chrX-32346061-G-GT. GRCh37 (hg19) VCF-style: chrX-32364178-G-GT.
Other names: c.5443dup, p.Thr1815fs (NM_000109.4); c.5455dup, p.Thr1819fs (NM_004009.3); c.5098dup, p.Thr1700fs (NM_004010.3); c.1444dup, p.Thr482fs (NM_004011.4); c.1435dup, p.Thr479fs (NM_004012.4); short protein forms T1823fs, T1700fs, T1819fs, T1815fs, T479fs, T482fs.
Identifiers: ClinVar variation 1376461 (VCV001376461.6), dbSNP rs2147033060, ClinGen allele CA2573158796.